The following is an entry in ClinVar:

NM_000427.3(LORICRIN):c.180T>G (p.Ser60=)

Gene: LORICRIN (loricrin cornified envelope precursor protein; plus strand). Cytogenetic location: 1q21.3.
Variant type: single nucleotide variant.
Coding change: c.180T>G on transcript NM_000427.3 (MANE Select); coding-DNA position 180, T replaced by G.
Protein change: p.Ser60=; no amino-acid change (serine 60 retained).
Molecular consequence: synonymous variant.
Genome position (GRCh38, 1-based): chr1:153,261,129, T>G. VCF-style: chr1-153261129-T-G. GRCh37 (hg19) VCF-style: chr1-153233605-T-G.
Identifiers: ClinVar variation 2582862 (VCV002582862.25), dbSNP rs1171304656, ClinGen allele CA420943774.

ClinVar aggregate classification (germline): Likely benign (1 of 4 stars; one submission).

Submission:

CeGaT Center for Human Genetics Tuebingen
Classification: Likely benign. Last evaluated: 2025-02-01. Review status: criteria provided, single submitter. Criteria: CeGaT Center For Human Genetics Tuebingen Variant Classification Criteria Version 2. Collection method: clinical testing. Allele origin: germline. Affected: yes. Observed: 2 variant alleles.
Comment: LORICRIN: PM2:Supporting, BP4, BP7